The following is an entry in ClinVar:

ClinVar aggregate classification (germline): Uncertain significance. Review status: criteria provided, multiple submitters, no conflicts (2 of 4 stars). 3 submissions from 3 submitters: Uncertain significance (3). Last evaluated 2025-09-18.

Conditions:
Cardiovascular phenotype. Identifiers: MedGen CN230736.
Brugada syndrome. Also called: Sudden Unexplained Death Syndrome; Sudden Unexplained Nocturnal Death Syndrome (SUNDS); Sudden unexpected nocturnal death syndrome; Sudden unexplained nocturnal death syndrome. Identifiers: Orphanet 130, MedGen C1142166, MONDO:0015263.

Allele frequency attached by ClinVar (database versions not stated): TOPMed 0.00002; gnomAD 0.00003; gnomAD exomes 0.00004; ExAC 0.00007; 1000 Genomes Project 30x 0.00016; 1000 Genomes Project 0.00020.
gnomAD v4.1: 86 of 1,614,160 alleles (0.0053%); highest among the groups gnomAD compares: South Asian, 0.0088%; no homozygotes.

Submissions (3):

Ambry Genetics
Classification: Uncertain significance for Cardiovascular phenotype. Last evaluated: 2025-09-18. Review status: criteria provided, single submitter. Criteria: Ambry Variant Classification Scheme 2023. Collection method: clinical testing. Allele origin: germline.
Comment: The p.T1659M variant (also known as c.4976C>T), located in coding exon 27 of the SCN10A gene, results from a C to T substitution at nucleotide position 4976. The threonine at codon 1659 is replaced by methionine, an amino acid with similar properties. This amino acid position is highly conserved in available vertebrate species. In addition, this alteration is predicted to be deleterious by in silico analysis. The evidence for this gene-disease relationship is limited; therefore, the clinical significance of this alteration is unclear.

GeneDx
Classification: Uncertain significance. Last evaluated: 2025-06-10. Review status: criteria provided, single submitter. Criteria: GeneDx Variant Classification Process June 2021. Collection method: clinical testing. Allele origin: germline. Affected: yes.
Comment: Has not been previously published as pathogenic or benign to our knowledge; In silico analysis supports that this missense variant has a deleterious effect on protein structure/function

Labcorp Genetics (formerly Invitae), Labcorp
Classification: Uncertain significance for Brugada syndrome. Last evaluated: 2024-11-12. Review status: criteria provided, single submitter. Criteria: Invitae Variant Classification Sherloc (09022015). Collection method: clinical testing. Allele origin: germline.
Comment: This sequence change replaces threonine, which is neutral and polar, with methionine, which is neutral and non-polar, at codon 1659 of the SCN10A protein (p.Thr1659Met). This variant is present in population databases (rs200761212, gnomAD 0.006%). This variant has not been reported in the literature in individuals affected with SCN10A-related conditions. ClinVar contains an entry for this variant (Variation ID: 1367812). Invitae Evidence Modeling of protein sequence and biophysical properties (such as structural, functional, and spatial information, amino acid conservation, physicochemical variation, residue mobility, and thermodynamic stability) indicates that this missense variant is expected to disrupt SCN10A protein function with a positive predictive value of 80%. In summary, the available evidence is currently insufficient to determine the role of this variant in disease. Therefore, it has been classified as a Variant of Uncertain Significance.

NM_006514.4(SCN10A):c.4976C>T (p.Thr1659Met)

Gene: SCN10A (sodium voltage-gated channel alpha subunit 10; minus strand). Cytogenetic location: 3p22.2.
Variant type: single nucleotide variant.
Coding change: c.4976C>T on transcript NM_006514.4 (MANE Select); coding-DNA position 4976, C replaced by T.
Protein change: p.Thr1659Met; replaces threonine 1659 with methionine.
Molecular consequence: missense variant.
Genome position (GRCh38, 1-based): chr3:38,698,244, G>A on the plus strand (C>T on the coding strand, the complement: SCN10A is on the minus strand). VCF-style: chr3-38698244-G-A. GRCh37 (hg19) VCF-style: chr3-38739735-G-A.
Other names: c.4973C>T, p.Thr1658Met (NM_001293306.2); c.4682C>T, p.Thr1561Met (NM_001293307.2); c.4976C>T (NM_006514.2); short protein forms T1658M, T1561M, T1659M.
Identifiers: ClinVar variation 1367812 (VCV001367812.11), dbSNP rs200761212, ClinGen allele CA2319770.
Genomic context (GRCh38, chr3:38,698,244, plus strand): 5'-TCACAGTAGGGGGGCCCTGTGTTGAGGATGGGGCTGAGGAGGCCATCCCAGCCGGCCGAC[G>A]TGGTAATCTGGAAGAGGCACAGCATGCTGTTGGCGAAGGTCTGGAAGTTGAACATGTCGT-3'
Protein context (NP_006505.4, residues 1649-1669): NSMLCLFQIT[Thr1659Met]SAGWDGLLSP